The following is an entry in ClinVar:

ClinVar aggregate classification (germline): Uncertain significance (1 of 4 stars; one submission).

Conditions:
Inborn genetic diseases. Identifiers: MedGen C0950123, MeSH D030342.

Allele frequency attached by ClinVar (database versions not stated): TOPMed below 0.00001.

Submission:

Ambry Genetics
Classification: Uncertain significance for Inborn genetic diseases. Last evaluated: 2024-05-04. Review status: criteria provided, single submitter. Criteria: Ambry Variant Classification Scheme 2023. Collection method: clinical testing. Allele origin: germline.
Comment: The p.V129G variant (also known as c.386T>G), located in coding exon 4 of the LRRK2 gene, results from a T to G substitution at nucleotide position 386. The valine at codon 129 is replaced by glycine, an amino acid with dissimilar properties. This amino acid position is conserved. In addition, this alteration is predicted to be tolerated by in silico analysis. Since supporting evidence is limited at this time, the clinical significance of this alteration remains unclear.

NM_198578.4(LRRK2):c.386T>G (p.Val129Gly)

Gene: LRRK2 (leucine rich repeat kinase 2; plus strand). Cytogenetic location: 12q12.
Variant type: single nucleotide variant.
Coding change: c.386T>G on transcript NM_198578.4 (MANE Select); coding-DNA position 386, T replaced by G.
Protein change: p.Val129Gly; replaces valine 129 with glycine.
Molecular consequence: missense variant.
Genome position (GRCh38, 1-based): chr12:40,235,664, T>G. VCF-style: chr12-40235664-T-G. GRCh37 (hg19) VCF-style: chr12-40629466-T-G.
Other names: short protein forms V129G.
Identifiers: ClinVar variation 1735696 (VCV001735696.3), dbSNP rs1941417046, ClinGen allele CA384402812.